The following is an entry in ClinVar:

NM_001371279.1(REEP1):c.509C>T (p.Pro170Leu)

Gene: REEP1 (receptor accessory protein 1; minus strand). Cytogenetic location: 2p11.2.
Variant type: single nucleotide variant.
Coding change: c.509C>T on transcript NM_001371279.1 (MANE Select); coding-DNA position 509, C replaced by T.
Protein change: p.Pro170Leu; replaces proline 170 with leucine.
Molecular consequence: missense variant. On other transcripts: intron variant (1).
Genome position (GRCh38, 1-based): chr2:86,232,711, G>A on the plus strand (C>T on the coding strand, the complement: REEP1 is on the minus strand). VCF-style: chr2-86232711-G-A. GRCh37 (hg19) VCF-style: chr2-86459834-G-A.
Other names: c.530C>T, p.Pro177Leu (NM_001164730.2); c.428C>T, p.Pro143Leu (NM_001164731.2); c.274C>T, p.Pro92Ser (NM_001164732.2); c.509C>T, p.Pro170Leu (NM_001410855.1, NM_001410856.1, NM_022912.3); c.418-15601C>T (NM_001371280.1); short protein forms P143L, P170L, P177L, P92S.
Identifiers: ClinVar variation 5028127 (VCV005028127.1).
Genomic context (GRCh38, chr2:86,232,711, plus strand): 5'-CTCCTGGACATCTTAGGCTGGCCGTGTTTGCCGCTGGCCCGCCCAGACCCCGGTGGTGGG[G>A]GGCCCGAGGGAGCAGGGGCGCCGTCTCCCCTGATGGTGGTGAGGTCCTGCATGCTGAAGC-3'
Protein context (NP_001358208.1, residues 160-180): RGDGAPAPSG[Pro170Leu]PPPGSGRASG

ClinVar aggregate classification (germline): Uncertain significance (1 of 4 stars; one submission).

Conditions:
Inborn genetic diseases. Identifiers: MedGen C0950123, MeSH D030342.

gnomAD v4.1: 1 of 1,610,870 alleles (0.000062%); highest among the groups gnomAD compares: Admixed American, 0.0017%; no homozygotes.

Submission:

Ambry Genetics
Classification: Uncertain significance for Inborn genetic diseases. Last evaluated: 2026-08-17. Review status: criteria provided, single submitter. Criteria: Ambry Variant Classification Scheme 2023. Collection method: clinical testing. Allele origin: germline.
Comment: The c.509C>T (p.P170L) alteration is located in exon 6 (coding exon 6) of the REEP1 gene. This alteration results from a C to T substitution at nucleotide position 509, causing the proline (P) at amino acid position 170 to be replaced by a leucine (L). Based on data from gnomAD, the T allele has an overall frequency of <0.001% (0/244870) total alleles studied. The highest observed frequency was <0.001% (/) of alleles. Based on insufficient or conflicting evidence, the clinical significance of this alteration remains unclear.